The following is an entry in ClinVar:

NM_201384.3(PLEC):c.11752A>G (p.Ile3918Val)

Gene: PLEC (plectin; minus strand). Cytogenetic location: 8q24.3.
Variant type: single nucleotide variant.
Coding change: c.11752A>G on transcript NM_201384.3 (MANE Select); coding-DNA position 11752, A replaced by G.
Protein change: p.Ile3918Val; replaces isoleucine 3918 with valine.
Molecular consequence: missense variant.
Genome position (GRCh38, 1-based): chr8:143,918,069, T>C on the plus strand (A>G on the coding strand, the complement: PLEC is on the minus strand). VCF-style: chr8-143918069-T-C. GRCh37 (hg19) VCF-style: chr8-144992237-T-C.
Other names: c.11833A>G, p.Ile3945Val (NM_000445.5); c.11710A>G, p.Ile3904Val (NM_201378.4); c.11686A>G, p.Ile3896Val (NM_201379.3); c.12163A>G, p.Ile4055Val (NM_201380.4); c.11656A>G, p.Ile3886Val (NM_201381.3); c.11752A>G, p.Ile3918Val (NM_201382.4); c.11764A>G, p.Ile3922Val (NM_201383.3); short protein forms I3886V, I3896V, I3904V, I3918V, I3922V, I3945V, I4055V.
Identifiers: ClinVar variation 379659 (VCV000379659.6), dbSNP rs574764116, ClinGen allele CA4924253.

ClinVar aggregate classification (germline): Conflicting classifications of pathogenicity. Review status: criteria provided, conflicting classifications (1 of 4 stars). 2 submissions from 2 submitters: Uncertain significance (1); Likely benign (1). Last evaluated 2025-10-09.

Conditions:
Epidermolysis bullosa simplex 5B, with muscular dystrophy (EBS5B). Also called: Epidermolysis bullosa simplex with muscular dystrophy; EPIDERMOLYSIS BULLOSA SIMPLEX AND LIMB-GIRDLE MUSCULAR DYSTROPHY. Identifiers: Orphanet 257, MedGen C2931072, MONDO:0009181, OMIM 226670.
Epidermolysis bullosa simplex, Ogna type (EBS5A). Also called: Pidermolysis bullosa simplex 5A, Ogna type; EPIDERMOLYSIS BULLOSA SIMPLEX 5A, OGNA TYPE. Identifiers: Orphanet 79401, MedGen C0432317, MONDO:0007555, OMIM 131950.
Autosomal recessive limb-girdle muscular dystrophy type 2Q (LGMDR17). Also called: MUSCULAR DYSTROPHY, LIMB-GIRDLE, AUTOSOMAL RECESSIVE 17. Identifiers: Orphanet 254361, MedGen C3150989, MONDO:0013390, OMIM 613723.
Epidermolysis bullosa simplex 5C, with pyloric atresia (EBS5C). Also called: PLEC-Related Epidermolysis Bullosa with Pyloric Atresia; Epidermolysis bullosa simplex with pyloric atresia; PLEC1-Related Epidermolysis Bullosa with Pyloric Atresia. Identifiers: Orphanet 158684, MedGen C2677349, MONDO:0012807, OMIM 612138.
Epidermolysis bullosa simplex with nail dystrophy (EBS5D). Identifiers: MedGen C4225309, MONDO:0014661, OMIM 616487.

Allele frequency attached by ClinVar (database versions not stated): gnomAD exomes 0.00005 and 0.00002; 1000 Genomes Project 30x 0.00016; gnomAD 0.00001; TOPMed 0.00003; ExAC 0.00005; 1000 Genomes Project 0.00020.
gnomAD v4.1: 12 of 1,600,822 alleles (0.00075%); highest among the groups gnomAD compares: Admixed American, 0.017%; no homozygotes.

Submissions (2):

Labcorp Genetics (formerly Invitae), Labcorp
Classification: Uncertain significance for Autosomal recessive limb-girdle muscular dystrophy type 2Q; Epidermolysis bullosa simplex, Ogna type; Epidermolysis bullosa simplex with nail dystrophy; Epidermolysis bullosa simplex 5C, with pyloric atresia; Epidermolysis bullosa simplex 5B, with muscular dystrophy. Last evaluated: 2025-10-09. Review status: criteria provided, single submitter. Criteria: Invitae Variant Classification Sherloc (09022015). Collection method: clinical testing. Allele origin: germline.
Comment: This sequence change replaces isoleucine, which is neutral and non-polar, with valine, which is neutral and non-polar, at codon 3945 of the PLEC protein (p.Ile3945Val). This variant is present in population databases (rs574764116, gnomAD 0.03%). This variant has not been reported in the literature in individuals affected with PLEC-related conditions. ClinVar contains an entry for this variant (Variation ID: 379659). Invitae Evidence Modeling of protein sequence and biophysical properties (such as structural, functional, and spatial information, amino acid conservation, physicochemical variation, residue mobility, and thermodynamic stability) indicates that this missense variant is not expected to disrupt PLEC protein function with a negative predictive value of 80%. In summary, the available evidence is currently insufficient to determine the role of this variant in disease. Therefore, it has been classified as a Variant of Uncertain Significance.

GeneDx
Classification: Likely benign. Last evaluated: 2015-05-15. Review status: criteria provided, single submitter. Criteria: GeneDx Variant Classification (06012015). Collection method: clinical testing. Allele origin: germline. Affected: yes.
Comment: This variant is considered likely benign or benign based on one or more of the following criteria: it is a conservative change, it occurs at a poorly conserved position in the protein, it is predicted to be benign by multiple in silico algorithms, and/or has population frequency not consistent with disease.